The following is an entry in ClinVar:

ClinVar aggregate classification (germline): Uncertain significance. Review status: criteria provided, multiple submitters, no conflicts (2 of 4 stars). 2 submissions from 2 submitters: Uncertain significance (2). Last evaluated 2025-03-17.

Conditions:
Inborn genetic diseases. Identifiers: MedGen C0950123, MeSH D030342.

Allele frequency attached by ClinVar (database versions not stated): gnomAD 0.00001; ExAC 0.00006.
gnomAD v4.1: 62 of 1,613,944 alleles (0.0038%); highest among the groups gnomAD compares: South Asian, 0.064%; no homozygotes.

Submissions (2):

GeneDx
Classification: Uncertain significance. Last evaluated: 2025-03-17. Review status: criteria provided, single submitter. Criteria: GeneDx Variant Classification Process June 2021. Collection method: clinical testing. Allele origin: germline. Affected: yes.
Comment: In silico analysis supports that this missense variant has a deleterious effect on protein structure/function; Has not been previously published as pathogenic or benign to our knowledge

Ambry Genetics
Classification: Uncertain significance for Inborn genetic diseases. Last evaluated: 2021-07-20. Review status: criteria provided, single submitter. Criteria: Ambry Variant Classification Scheme 2023. Collection method: clinical testing. Allele origin: germline.

NM_001326411.2(PISD):c.504C>A (p.Phe168Leu)

Gene: PISD (phosphatidylserine decarboxylase; minus strand). Cytogenetic location: 22q12.2.
Variant type: single nucleotide variant.
Coding change: c.504C>A on transcript NM_001326411.2 (MANE Select); coding-DNA position 504, C replaced by A.
Protein change: p.Phe168Leu; replaces phenylalanine 168 with leucine.
Molecular consequence: missense variant.
Genome position (GRCh38, 1-based): chr22:31,621,703, G>T on the plus strand (C>A on the coding strand, the complement: PISD is on the minus strand). VCF-style: chr22-31621703-G-T. GRCh37 (hg19) VCF-style: chr22-32017689-G-T.
Other names: c.441C>A, p.Phe147Leu (NM_001326412.1, NM_001326413.2, NM_001326414.2); c.402C>A, p.Phe134Leu (NM_001326415.2, NM_001326416.2, NM_001326417.2 and 3 more transcripts); c.324C>A, p.Phe108Leu (NM_001326418.2, NM_001326420.2); c.504C>A, p.Phe168Leu (NM_001326421.1); short protein forms F168L, F134L, F147L, F108L.
Identifiers: ClinVar variation 2205917 (VCV002205917.3), dbSNP rs769789016, ClinGen allele CA10194788.